The following is an entry in ClinVar:

NM_015557.3(CHD5):c.5332A>G (p.Lys1778Glu)

Gene: CHD5 (chromodomain helicase DNA binding protein 5; minus strand). Cytogenetic location: 1p36.31.
Variant type: single nucleotide variant.
Coding change: c.5332A>G on transcript NM_015557.3 (MANE Select); coding-DNA position 5332, A replaced by G.
Protein change: p.Lys1778Glu; replaces lysine 1778 with glutamic acid.
Molecular consequence: missense variant.
Genome position (GRCh38, 1-based): chr1:6,110,444, T>C on the plus strand (A>G on the coding strand, the complement: CHD5 is on the minus strand). VCF-style: chr1-6110444-T-C. GRCh37 (hg19) VCF-style: chr1-6170504-T-C.
Other names: short protein forms K1778E.
Identifiers: ClinVar variation 4795738 (VCV004795738.1).

ClinVar aggregate classification (germline): Uncertain significance (1 of 4 stars; one submission).

Submission:

GeneDx
Classification: Uncertain significance. Last evaluated: 2025-08-14. Review status: criteria provided, single submitter. Criteria: GeneDx Variant Classification Process June 2021. Collection method: clinical testing. Allele origin: germline. Affected: yes.
Comment: Not observed at significant frequency in large population cohorts (gnomAD); In silico analysis supports that this missense variant has a deleterious effect on protein structure/function; Has not been previously published as pathogenic or benign to our knowledge